The following is an entry in ClinVar:

ClinVar aggregate classification (germline): Uncertain significance (1 of 4 stars; one submission).

Submission:

GeneDx
Classification: Uncertain significance. Last evaluated: 2026-03-26. Review status: criteria provided, single submitter. Criteria: GeneDx Variant Classification Process June 2021. Collection method: clinical testing. Allele origin: germline.
Comment: Not observed at significant frequency in large population cohorts (gnomAD); In silico analysis suggests that this missense variant does not alter protein structure/function; Has not been previously published as pathogenic or benign to our knowledge

NM_032217.5(ANKRD17):c.5965C>T (p.Pro1989Ser)

Gene: ANKRD17 (ankyrin repeat domain 17; minus strand). Cytogenetic location: 4q13.3.
Variant type: single nucleotide variant.
Coding change: c.5965C>T on transcript NM_032217.5 (MANE Select); coding-DNA position 5965, C replaced by T.
Protein change: p.Pro1989Ser; replaces proline 1989 with serine.
Molecular consequence: missense variant.
Genome position (GRCh38, 1-based): chr4:73,091,663, G>A on the plus strand (C>T on the coding strand, the complement: ANKRD17 is on the minus strand). VCF-style: chr4-73091663-G-A. GRCh37 (hg19) VCF-style: chr4-73957380-G-A.
Other names: c.5626C>T, p.Pro1876Ser (NM_001286771.3); c.5962C>T, p.Pro1988Ser (NM_015574.2); c.5212C>T, p.Pro1738Ser (NM_198889.3); short protein forms P1738S, P1876S, P1988S, P1989S.
Identifiers: ClinVar variation 5017646 (VCV005017646.1).